The following is an entry in ClinVar:

NM_053025.4(MYLK):c.514G>T (p.Val172Phe)

Gene: MYLK (myosin light chain kinase; minus strand). Cytogenetic location: 3q21.1.
Variant type: single nucleotide variant.
Coding change: c.514G>T on transcript NM_053025.4 (MANE Select); coding-DNA position 514, G replaced by T.
Protein change: p.Val172Phe; replaces valine 172 with phenylalanine.
Molecular consequence: missense variant. On other transcripts: 5 prime UTR variant (1).
Genome position (GRCh38, 1-based): chr3:123,738,971, C>A on the plus strand (G>T on the coding strand, the complement: MYLK is on the minus strand). VCF-style: chr3-123738971-C-A. GRCh37 (hg19) VCF-style: chr3-123457818-C-A.
Other names: c.-15G>T (NM_001321309.2); c.514G>T, p.Val172Phe (NM_053026.4, NM_053027.4, NM_053028.4); short protein forms V172F.
Identifiers: ClinVar variation 3876592 (VCV003876592.1).
Genomic context (GRCh38, chr3:123,738,971, plus strand): 5'-CCTGCGGTTGGGGCCGGCCAGTGATCTTGCAGGAGAATCGTCCCATCTGTCCTTCTTTGA[C>A]CACAACTCGGCCCAGCTTGGTAGCAAACTTTGGTGGGCACTCCCCCCAGATGCTAGGACG-3'
Protein context (NP_444253.3, residues 162-182): KFATKLGRVV[Val172Phe]KEGQMGRFSC

ClinVar aggregate classification (germline): Uncertain significance (1 of 4 stars; one submission).

Conditions:
Familial thoracic aortic aneurysm and aortic dissection (TAAD). Also called: Thoracic aortic aneurysms and dissections. Identifiers: Orphanet 91387, MedGen C4707243, MONDO:0019625.

gnomAD v4.1: 2 of 1,613,654 alleles (0.00012%); highest among the groups gnomAD compares: Non-Finnish European, 0.00017%; no homozygotes.

Submission:

Ambry Genetics
Classification: Uncertain significance for Familial thoracic aortic aneurysm and aortic dissection. Last evaluated: 2025-02-10. Review status: criteria provided, single submitter. Criteria: Ambry Variant Classification Scheme 2023. Collection method: clinical testing. Allele origin: germline.
Comment: The p.V172F variant (also known as c.514G>T), located in coding exon 4 of the MYLK gene, results from a G to T substitution at nucleotide position 514. The valine at codon 172 is replaced by phenylalanine, an amino acid with highly similar properties. This amino acid position is conserved. In addition, the in silico prediction for this alteration is inconclusive. Based on the available evidence, the clinical significance of this variant remains unclear.